The following is an entry in ClinVar:

ClinVar aggregate classification (germline): Uncertain significance (1 of 4 stars; one submission).

Submission:

Labcorp Genetics (formerly Invitae), Labcorp
Classification: Uncertain significance. Last evaluated: 2024-04-25. Review status: criteria provided, single submitter. Criteria: Invitae Variant Classification Sherloc (09022015). Collection method: clinical testing. Allele origin: germline.
Comment: This sequence change replaces methionine, which is neutral and non-polar, with isoleucine, which is neutral and non-polar, at codon 98 of the CTNNB1 protein (p.Met98Ile). This variant is not present in population databases (gnomAD no frequency). This variant has not been reported in the literature in individuals affected with CTNNB1-related conditions. Advanced modeling of protein sequence and biophysical properties (such as structural, functional, and spatial information, amino acid conservation, physicochemical variation, residue mobility, and thermodynamic stability) performed at Invitae indicates that this missense variant is not expected to disrupt CTNNB1 protein function with a negative predictive value of 80%. In summary, the available evidence is currently insufficient to determine the role of this variant in disease. Therefore, it has been classified as a Variant of Uncertain Significance.

NM_001904.4(CTNNB1):c.294G>A (p.Met98Ile)

Genes: CTNNB1 (catenin beta 1; plus strand), LOC126806658 (BRD4-independent group 4 enhancer GRCh37_chr3:41265899-41267098; plus strand). Cytogenetic location: 3p22.1.
Variant type: single nucleotide variant.
Coding change: c.294G>A on transcript NM_001904.4 (MANE Select); coding-DNA position 294, G replaced by A.
Protein change: p.Met98Ile; replaces methionine 98 with isoleucine.
Molecular consequence: missense variant.
Genome position (GRCh38, 1-based): chr3:41,225,006, G>A. VCF-style: chr3-41225006-G-A. GRCh37 (hg19) VCF-style: chr3-41266497-G-A.
Other names: c.273G>A, p.Met91Ile (NM_001330729.2); c.294G>A, p.Met98Ile (NM_001098209.2, NM_001098210.2); short protein forms M91I, M98I.
Identifiers: ClinVar variation 3651257 (VCV003651257.2).